The following is an entry in ClinVar:

NM_001080421.3(UNC13A):c.1801G>C (p.Ala601Pro)

Gene: UNC13A (unc-13 homolog A; minus strand). Cytogenetic location: 19p13.11.
Variant type: single nucleotide variant.
Coding change: c.1801G>C on transcript NM_001080421.3 (MANE Select); coding-DNA position 1801, G replaced by C.
Protein change: p.Ala601Pro; replaces alanine 601 with proline.
Molecular consequence: missense variant.
Genome position (GRCh38, 1-based): chr19:17,648,446, C>G on the plus strand (G>C on the coding strand, the complement: UNC13A is on the minus strand). VCF-style: chr19-17648446-C-G. GRCh37 (hg19) VCF-style: chr19-17759255-C-G.
Other names: c.1795G>C, p.Ala599Pro (NM_001387021.1, NM_001387022.1, NM_001387023.1); short protein forms A599P, A601P.
Identifiers: ClinVar variation 3361478 (VCV003361478.1).

ClinVar aggregate classification (germline): Uncertain significance (1 of 4 stars; one submission).

Submission:

GeneDx
Classification: Uncertain significance. Last evaluated: 2023-07-24. Review status: criteria provided, single submitter. Criteria: GeneDx Variant Classification Process June 2021. Collection method: clinical testing. Allele origin: germline. Affected: yes.
Comment: Not observed at significant frequency in large population cohorts (gnomAD); In silico analysis supports that this missense variant has a deleterious effect on protein structure/function; Has not been previously published as pathogenic or benign to our knowledge